The following is an entry in ClinVar:

NM_015512.5(DNAH1):c.3693+4G>A

Gene: DNAH1 (dynein axonemal heavy chain 1; plus strand). Cytogenetic location: 3p21.1.
Variant type: single nucleotide variant.
Coding change: c.3693+4G>A on transcript NM_015512.5 (MANE Select); 4 bases into the intron after coding-DNA position 3693, G replaced by A.
Molecular consequence: intron variant.
Genome position (GRCh38, 1-based): chr3:52,355,059, G>A. VCF-style: chr3-52355059-G-A. GRCh37 (hg19) VCF-style: chr3-52389075-G-A.
Identifiers: ClinVar variation 2953025 (VCV002953025.4), dbSNP rs768275450, ClinGen allele CA74743935.
Genomic context (GRCh38, chr3:52,355,059, plus strand): 5'-AAGAAGCCCTTTGAGCAGCGCATCAACTCCTGGGAGAACAAACTGAAGCTGACCCAGGTC[G>A]GCCCTCCCCCCAGTCCTTCCCTCATCGCTCCCCCACTTCAGAGAGCCCGACCCACAGGTG-3'

ClinVar aggregate classification (germline): Conflicting classifications of pathogenicity. Review status: criteria provided, conflicting classifications (1 of 4 stars). 2 submissions from 2 submitters: Uncertain significance (1); Likely benign (1). Last evaluated 2025-09-22.

Conditions:
Spermatogenic failure 18. Identifiers: MedGen C4539783, MONDO:0054615, OMIM 617576.
Ciliary dyskinesia, primary, 37 (CILD37). Also called: CILIARY DYSKINESIA, PRIMARY, 37, WITH OR WITHOUT SITUS INVERSUS. Identifiers: MedGen C4539798, MONDO:0033204, OMIM 617577.

Allele frequency attached by ClinVar (database versions not stated): TOPMed 0.00001.
gnomAD v4.1: 15 of 1,612,786 alleles (0.00093%); highest among the groups gnomAD compares: East Asian, 0.0045%; no homozygotes.

Submissions (2):

Labcorp Genetics (formerly Invitae), Labcorp
Classification: Uncertain significance for Ciliary dyskinesia, primary, 37; Spermatogenic failure 18. Last evaluated: 2025-09-22. Review status: criteria provided, single submitter. Criteria: Invitae Variant Classification Sherloc (09022015). Collection method: clinical testing. Allele origin: germline.
Comment: This sequence change falls in intron 21 of the DNAH1 gene. It does not directly change the encoded amino acid sequence of the DNAH1 protein. It affects a nucleotide within the consensus splice site. This variant is not present in population databases (gnomAD no frequency). This variant has not been reported in the literature in individuals affected with DNAH1-related conditions. ClinVar contains an entry for this variant (Variation ID: 2953025). Variants that disrupt the consensus splice site are a relatively common cause of aberrant splicing (PMID: 17576681, 9536098). Algorithms developed to predict the effect of sequence changes on RNA splicing suggest that this variant is not likely to affect RNA splicing. In summary, the available evidence is currently insufficient to determine the role of this variant in disease. Therefore, it has been classified as a Variant of Uncertain Significance.

Blueprint Genetics
Classification: Likely benign. Last evaluated: 2024-05-07. Review status: criteria provided, single submitter. Criteria: ACMG Guidelines, 2015. Collection method: clinical testing. Allele origin: germline.

Literature cited by the submitters: PubMed 17576681 (cited by Labcorp Genetics (formerly Invitae), Labcorp); PubMed 9536098 (cited by Labcorp Genetics (formerly Invitae), Labcorp).